The following is an entry in ClinVar:

ClinVar aggregate classification (germline): Likely benign. Review status: criteria provided, multiple submitters, no conflicts (2 of 4 stars). 3 submissions from 3 submitters: Likely benign (3). Last evaluated 2025-09-30.

Conditions:
Intellectual developmental disorder, autosomal dominant 1. Also called: Intellectual disability, autosomal dominant 1; MBD5 Haploinsufficiency. Identifiers: Orphanet 228402, MedGen C1969562, MONDO:0007974, OMIM 156200.

Allele frequency attached by ClinVar (database versions not stated): gnomAD exomes 0.00001.
gnomAD v4.1: 18 of 1,613,940 alleles (0.0011%); highest among the groups gnomAD compares: Non-Finnish European, 0.0015%; no homozygotes.

Submissions (3):

Labcorp Genetics (formerly Invitae), Labcorp
Classification: Likely benign for Intellectual developmental disorder, autosomal dominant 1. Last evaluated: 2025-09-30. Review status: criteria provided, single submitter. Criteria: Invitae Variant Classification Sherloc (09022015). Collection method: clinical testing. Allele origin: germline.

CeGaT Center for Human Genetics Tuebingen
Classification: Likely benign. Last evaluated: 2022-04-01. Review status: criteria provided, single submitter. Criteria: CeGaT Center For Human Genetics Tuebingen Variant Classification Criteria Version 2. Collection method: clinical testing. Allele origin: germline. Affected: yes. Observed: 2 variant alleles.
Comment: MBD5: BP4, BP7

Blueprint Genetics
Classification: Likely benign. Last evaluated: 2021-04-19. Review status: criteria provided, single submitter. Criteria: ACMG Guidelines, 2015. Collection method: clinical testing. Allele origin: germline.

NM_001378120.1(MBD5):c.4419G>T (p.Leu1473=)

Gene: MBD5 (methyl-CpG binding domain protein 5; plus strand). Cytogenetic location: 2q23.1.
Variant type: single nucleotide variant.
Coding change: c.4419G>T on transcript NM_001378120.1 (MANE Select); coding-DNA position 4419, G replaced by T.
Protein change: p.Leu1473=; no amino-acid change (leucine 1473 retained).
Molecular consequence: synonymous variant.
Genome position (GRCh38, 1-based): chr2:148,490,051, G>T. VCF-style: chr2-148490051-G-T. GRCh37 (hg19) VCF-style: chr2-149247620-G-T.
Other names: c.3720G>T, p.Leu1240= (NM_018328.5).
Identifiers: ClinVar variation 808813 (VCV000808813.47), dbSNP rs748173028, ClinGen allele CA57597009.